The following is an entry in ClinVar:

NM_014975.3(MAST1):c.1577T>C (p.Leu526Pro)

Gene: MAST1 (microtubule associated serine/threonine kinase 1; plus strand). Cytogenetic location: 19p13.13.
Variant type: single nucleotide variant.
Coding change: c.1577T>C on transcript NM_014975.3 (MANE Select); coding-DNA position 1577, T replaced by C.
Protein change: p.Leu526Pro; replaces leucine 526 with proline.
Molecular consequence: missense variant.
Genome position (GRCh38, 1-based): chr19:12,865,117, T>C. VCF-style: chr19-12865117-T-C. GRCh37 (hg19) VCF-style: chr19-12975931-T-C.
Other names: short protein forms L526P.
Identifiers: ClinVar variation 985800 (VCV000985800.4), dbSNP rs878926031, ClinGen allele CA404272144.

ClinVar aggregate classification (germline): Uncertain significance (1 of 4 stars; one submission).

Conditions:
Inborn genetic diseases. Identifiers: MedGen C0950123, MeSH D030342.

Submission:

Ambry Genetics
Classification: Uncertain significance for Inborn genetic diseases. Last evaluated: 2020-06-19. Review status: criteria provided, single submitter. Criteria: Ambry Variant Classification Scheme 2023. Collection method: clinical testing. Allele origin: germline.
Comment: The c.1577T>C (p.L526P) alteration is located in exon 14 (coding exon 14) of the MAST1 gene. This alteration results from a T to C substitution at nucleotide position 1577, causing the leucine (L) at amino acid position 526 to be replaced by a proline (P). This variant was not reported in population-based cohorts in the Genome Aggregation Database (gnomAD). This amino acid position is well conserved in available vertebrate species. The p.L526 amino acid is located in the protein kinase domain of the MAST1 protein, which mediates the phosphorylation of target proteins (Yano, 2003). The in silico prediction for this alteration is inconclusive. Based on insufficient or conflicting evidence, the clinical significance of this alteration remains unclear.

Literature cited by the submitters: PubMed 12614677.